The following is an entry in ClinVar:

NM_004656.4(BAP1):c.533G>A (p.Gly178Asp)

Gene: BAP1 (BRCA1 associated deubiquitinase 1; minus strand). Cytogenetic location: 3p21.1.
Variant type: single nucleotide variant.
Coding change: c.533G>A on transcript NM_004656.4 (MANE Select); coding-DNA position 533, G replaced by A.
Protein change: p.Gly178Asp; replaces glycine 178 with aspartic acid.
Molecular consequence: missense variant.
Genome position (GRCh38, 1-based): chr3:52,407,221, C>T on the plus strand (G>A on the coding strand, the complement: BAP1 is on the minus strand). VCF-style: chr3-52407221-C-T. GRCh37 (hg19) VCF-style: chr3-52441237-C-T.
Other names: c.533G>A, p.Gly178Asp (NM_001410772.1); short protein forms G178D.
Identifiers: ClinVar variation 2450435 (VCV002450435.2), dbSNP rs2153227803, ClinGen allele CA353109735.

ClinVar aggregate classification (germline): Uncertain significance (1 of 4 stars; one submission).

Conditions:
Hereditary cancer-predisposing syndrome. Also called: Neoplastic Syndromes, Hereditary; Tumor predisposition; Hereditary neoplastic syndrome; Hereditary Cancer Syndrome. Identifiers: Orphanet 140162, MedGen C0027672, MeSH D009386, MONDO:0015356.

Submission:

Ambry Genetics
Classification: Uncertain significance for Hereditary cancer-predisposing syndrome. Last evaluated: 2023-01-11. Review status: criteria provided, single submitter. Criteria: Ambry Variant Classification Scheme 2023. Collection method: clinical testing. Allele origin: germline.
Comment: The p.G178D variant (also known as c.533G>A), located in coding exon 7 of the BAP1 gene, results from a G to A substitution at nucleotide position 533. The glycine at codon 178 is replaced by aspartic acid, an amino acid with similar properties. This amino acid position is conserved. In addition, this alteration is predicted to be tolerated by in silico analysis. Since supporting evidence is limited at this time, the clinical significance of this alteration remains unclear.